The following is an entry in ClinVar:

ClinVar aggregate classification (germline): Uncertain significance (1 of 4 stars; one submission).

Conditions:
Developmental and epileptic encephalopathy, 53. Also called: Epileptic encephalopathy, early infantile, 53. Identifiers: MedGen C4479313, MONDO:0033362, OMIM 617389.
Early-onset Parkinson disease 20. Also called: PARKINSON DISEASE 20, AUTOSOMAL RECESSIVE EARLY-ONSET. Identifiers: Orphanet 391411, MedGen C3809824, MONDO:0014233, OMIM 615530.

Submission:

Labcorp Genetics (formerly Invitae), Labcorp
Classification: Uncertain significance for Developmental and epileptic encephalopathy, 53; Early-onset Parkinson disease 20. Last evaluated: 2019-02-06. Review status: criteria provided, single submitter. Criteria: Invitae Variant Classification Sherloc (09022015). Collection method: clinical testing. Allele origin: germline.
Comment: This variant is not present in population databases (ExAC no frequency). In summary, the available evidence is currently insufficient to determine the role of this variant in disease. Therefore, it has been classified as a Variant of Uncertain Significance. Algorithms developed to predict the effect of missense changes on protein structure and function (SIFT, PolyPhen-2, Align-GVGD) all suggest that this variant is likely to be tolerated, but these predictions have not been confirmed by published functional studies and their clinical significance is uncertain. This variant has not been reported in the literature in individuals with SYNJ1-related conditions. This sequence change replaces glycine with serine at codon 1098 of the SYNJ1 protein (p.Gly1098Ser). The glycine residue is moderately conserved and there is a small physicochemical difference between glycine and serine.

NM_203446.3(SYNJ1):c.3175G>A (p.Gly1059Ser)

Gene: SYNJ1 (synaptojanin 1; minus strand). Cytogenetic location: 21q22.11.
Variant type: single nucleotide variant.
Coding change: c.3175G>A on transcript NM_203446.3 (MANE Select); coding-DNA position 3175, G replaced by A.
Protein change: p.Gly1059Ser; replaces glycine 1059 with serine.
Molecular consequence: missense variant.
Genome position (GRCh38, 1-based): chr21:32,646,465, C>T on the plus strand (G>A on the coding strand, the complement: SYNJ1 is on the minus strand). VCF-style: chr21-32646465-C-T. GRCh37 (hg19) VCF-style: chr21-34018775-C-T.
Other names: c.3175G>A, p.Gly1059Ser (NM_001160302.2); c.3160G>A, p.Gly1054Ser (NM_001160306.2); c.3292G>A, p.Gly1098Ser (NM_003895.4); short protein forms G1098S, G1054S, G1059S.
Identifiers: ClinVar variation 858529 (VCV000858529.10), dbSNP rs2040073930, ClinGen allele CA410069328.